The following is an entry in ClinVar:

ClinVar aggregate classification (germline): Conflicting classifications of pathogenicity. Review status: criteria provided, conflicting classifications (1 of 4 stars). 4 submissions from 4 submitters: Uncertain significance (3); Likely benign (1). Last evaluated 2025-04-24.

Conditions:
Cardiovascular phenotype. Identifiers: MedGen CN230736.
Autosomal recessive limb-girdle muscular dystrophy type 2J (LGMDR10). Also called: MUSCULAR DYSTROPHY, LIMB-GIRDLE, AUTOSOMAL RECESSIVE 10; Limb-girdle muscular dystrophy, type 2J. Identifiers: Orphanet 140922, MedGen C1837342, MONDO:0012127, OMIM 608807.
Tibial muscular dystrophy (TMD). Also called: Udd Distal Myopathy – Tibial Muscular Dystrophy; UDD MYOPATHY; Tibial muscular dystrophy, tardive. Identifiers: Orphanet 609, MedGen C1838244, MONDO:0010870, OMIM 600334.
Dilated cardiomyopathy 1G (CMD1G). Identifiers: Orphanet 154, MedGen C1858763, MONDO:0011400, OMIM 604145.
Early-onset myopathy with fatal cardiomyopathy (CMYO5). Also called: CONGENITAL MYOPATHY 5 WITH CARDIOMYOPATHY; Salih Myopathy. Identifiers: Orphanet 289377, MedGen C2673677, MONDO:0012714, OMIM 611705. Disease mechanism: loss of function.
Myopathy, myofibrillar, 9, with early respiratory failure (MFM9). Also called: EDSTROM MYOPATHY; MYOPATHY, PROXIMAL, WITH EARLY RESPIRATORY MUSCLE INVOLVEMENT; Hereditary myopathy with early respiratory failure; Myopathy, distal, with early respiratory failure, autosomal dominant. Identifiers: Orphanet 178464, Orphanet 34521, MedGen C1863599, MONDO:0011362, OMIM 603689.
Hypertrophic cardiomyopathy 9. Also called: Familial hypertrophic cardiomyopathy 9. Identifiers: MedGen C1861065, MONDO:0013412, OMIM 613765.

Allele frequency attached by ClinVar (database versions not stated): gnomAD 0.00001 and 0.00002; gnomAD exomes 0.00001 and 0.00002; ExAC 0.00003; TOPMed 0.00005; 1000 Genomes Project 30x 0.00016; 1000 Genomes Project 0.00020.

Submissions (4):

Revvity Omics, Revvity
Classification: Uncertain significance. Last evaluated: 2025-04-24. Review status: criteria provided, single submitter. Criteria: ACMG Guidelines, 2015. Collection method: clinical testing. Allele origin: germline.

Fulgent Genetics
Classification: Uncertain significance for Tibial muscular dystrophy; Myopathy, myofibrillar, 9, with early respiratory failure; Dilated cardiomyopathy 1G; Autosomal recessive limb-girdle muscular dystrophy type 2J; Early-onset myopathy with fatal cardiomyopathy; Hypertrophic cardiomyopathy 9. Last evaluated: 2021-07-21. Review status: criteria provided, single submitter. Criteria: ACMG Guidelines, 2015. Collection method: clinical testing. Allele origin: unknown.

Ambry Genetics
Classification: Likely benign for Cardiovascular phenotype. Last evaluated: 2020-03-30. Review status: criteria provided, single submitter. Criteria: Ambry Variant Classification Scheme 2023. Collection method: clinical testing. Allele origin: germline.

Laboratory for Molecular Medicine, Mass General Brigham Personalized Medicine
Classification: Uncertain significance. Last evaluated: 2016-01-14. Review status: criteria provided, single submitter. Criteria: LMM Criteria. Collection method: clinical testing. Allele origin: germline. Observed: 1 variant allele.
Comment: The p.Pro22426Leu variant in TTN has not been previously reported in individuals with cardiomyopathy, but has been identified in 3/11538 Latino chromosomes by t he Exome Aggregation Consortium (ExAC; dbSNP rs5 31281558). Computational prediction tools and conservation analysis do not provi de strong support for or against an impact to the protein. In summary, the clini cal significance of the p.Pro22426Leu variant is uncertain.

NM_001267550.2(TTN):c.74981C>T (p.Pro24994Leu)

Genes: TTN-AS1 (TTN antisense RNA 1; plus strand), TTN (titin; minus strand). Cytogenetic location: 2q31.2.
Variant type: single nucleotide variant.
Coding change: c.74981C>T on transcript NM_001267550.2 (MANE Select); coding-DNA position 74981, C replaced by T.
Protein change: p.Pro24994Leu; replaces proline 24994 with leucine.
Molecular consequence: missense variant.
Genome position (GRCh38, 1-based): chr2:178,571,151, G>A on the plus strand (C>T on the coding strand, the complement: TTN is on the minus strand). VCF-style: chr2-178571151-G-A. GRCh37 (hg19) VCF-style: chr2-179435878-G-A.
Other names: c.70058C>T, p.Pro23353Leu (NM_001256850.1); c.47786C>T, p.Pro15929Leu (NM_003319.4); c.48161C>T, p.Pro16054Leu (NM_133432.3); c.48362C>T, p.Pro16121Leu (NM_133437.4); c.67277C>T, p.Pro22426Leu (NM_133378.4); short protein forms P22426L, P24994L, P16121L, P23353L, P15929L, P16054L.
Identifiers: ClinVar variation 229514 (VCV000229514.9), dbSNP rs531281558, ClinGen allele CA1990119.